The following is an entry in ClinVar:

ClinVar aggregate classification (germline): Pathogenic (1 of 4 stars; one submission).

Conditions:
Andersen Tawil syndrome (LQT7). Also called: ANDERSEN CARDIODYSRHYTHMIC PERIODIC PARALYSIS; Potassium-sensitive periodic paralysis, ventricular ectopy, and dysmorphic features; Andersen Syndrome; LONG QT SYNDROME 7; PERIODIC PARALYSIS, POTASSIUM-SENSITIVE CARDIODYSRHYTHMIC TYPE. Identifiers: Orphanet 37553, MedGen C1563715, MONDO:0008222, OMIM 170390.
Short QT syndrome type 3. Identifiers: Orphanet 51083, MedGen C1865018, MONDO:0012314, OMIM 609622.

Allele frequency attached by ClinVar (database versions not stated): gnomAD exomes below 0.00001.
gnomAD v4.1: 6 of 1,614,160 alleles (0.00037%); highest among the groups gnomAD compares: South Asian, 0.0011%; no homozygotes.

Submission:

Labcorp Genetics (formerly Invitae), Labcorp
Classification: Pathogenic for Short QT syndrome type 3; Andersen Tawil syndrome. Last evaluated: 2024-07-27. Review status: criteria provided, single submitter. Criteria: Invitae Variant Classification Sherloc (09022015). Collection method: clinical testing. Allele origin: germline.
Comment: This sequence change creates a premature translational stop signal (p.Arg228*) in the KCNJ2 gene. While this is not anticipated to result in nonsense mediated decay, it is expected to disrupt the last 200 amino acid(s) of the KCNJ2 protein. This variant is present in population databases (no rsID available, gnomAD 0.003%). This premature translational stop signal has been observed in individual(s) with clinical features of KCNJ2-related conditions (Invitae). ClinVar contains an entry for this variant (Variation ID: 403974). This variant disrupts a region of the KCNJ2 protein in which other variant(s) (p.Ser369*) have been determined to be pathogenic (PMID: 21493816). This suggests that this is a clinically significant region of the protein, and that variants that disrupt it are likely to be disease-causing. For these reasons, this variant has been classified as Pathogenic.

Literature cited by the submitters: PubMed 21493816.

NM_000891.3(KCNJ2):c.682C>T (p.Arg228Ter)

Gene: KCNJ2 (potassium inwardly rectifying channel subfamily J member 2; plus strand). Cytogenetic location: 17q24.3.
Variant type: single nucleotide variant.
Coding change: c.682C>T on transcript NM_000891.3 (MANE Select); coding-DNA position 682, C replaced by T.
Protein change: p.Arg228Ter; replaces arginine 228 with a stop codon.
Molecular consequence: nonsense.
Genome position (GRCh38, 1-based): chr17:70,175,721, C>T. VCF-style: chr17-70175721-C-T. GRCh37 (hg19) VCF-style: chr17-68171862-C-T.
Other names: short protein forms R228*.
Identifiers: ClinVar variation 403974 (VCV000403974.11), dbSNP rs1060500053, ClinGen allele CA16615988.